The following is an entry in ClinVar:

NM_001375567.1(FOCAD):c.3676-10T>A

Gene: FOCAD (focadhesin; plus strand). Cytogenetic location: 9p21.3.
Variant type: single nucleotide variant.
Coding change: c.3676-10T>A on transcript NM_001375567.1 (MANE Select); 10 bases into the intron before coding-DNA position 3676, T replaced by A.
Molecular consequence: intron variant.
Genome position (GRCh38, 1-based): chr9:20,948,261, T>A. VCF-style: chr9-20948261-T-A. GRCh37 (hg19) VCF-style: chr9-20948260-T-A.
Other names: c.3676-10T>A (NM_017794.5); c.3571-10T>A (NM_001375568.1, NM_001375570.1).
Identifiers: ClinVar variation 3054247 (VCV003054247.4), dbSNP rs1220217300, ClinGen allele CA586862328.

ClinVar aggregate classification (germline): Uncertain significance. Review status: criteria provided, single submitter (1 of 4 stars). 2 submissions from 2 submitters: Uncertain significance (1). 1 of the submissions does not count toward it. Last evaluated 2024-11-03.

Conditions:
FOCAD-related disorder. Also called: FOCAD-related condition.

Allele frequency attached by ClinVar (database versions not stated): TOPMed 0.00002; gnomAD 0.00003.
gnomAD v4.1: 10 of 1,594,474 alleles (0.00063%); highest among the groups gnomAD compares: African/African-American, 0.0014%; no homozygotes.

Submissions (2):

Labcorp Genetics (formerly Invitae), Labcorp
Classification: Uncertain significance. Last evaluated: 2024-11-03. Review status: criteria provided, single submitter. Criteria: Invitae Variant Classification Sherloc (09022015). Collection method: clinical testing. Allele origin: germline.
Comment: This sequence change falls in intron 32 of the FOCAD gene. It does not directly change the encoded amino acid sequence of the FOCAD protein. This variant is present in population databases (no rsID available, gnomAD 0.007%). This variant has not been reported in the literature in individuals affected with FOCAD-related conditions. ClinVar contains an entry for this variant (Variation ID: 3054247). In summary, the available evidence is currently insufficient to determine the role of this variant in disease. Therefore, it has been classified as a Variant of Uncertain Significance.

PreventionGenetics, part of Exact Sciences
Classification: Likely benign for FOCAD-related condition. Last evaluated: 2023-11-29. Review status: no assertion criteria provided. Collection method: clinical testing. Allele origin: germline. Not counted in ClinVar's aggregate classification.
Comment: This variant is classified as likely benign based on ACMG/AMP sequence variant interpretation guidelines (Richards et al. 2015 PMID: 25741868, with internal and published modifications).